The following is an entry in ClinVar:

ClinVar aggregate classification (germline): Uncertain significance. Review status: criteria provided, multiple submitters, no conflicts (2 of 4 stars). 5 submissions from 5 submitters: Uncertain significance (5). Last evaluated 2025-12-22.

Conditions:
Colorectal cancer, susceptibility to, 12 (CRCS12). Also called: COLORECTAL CANCER, SUSCEPTIBILITY TO, ON CHROMOSOME 12q24. Identifiers: Orphanet 220460, MedGen C3554460, MONDO:0014038, OMIM 615083.
Intrauterine growth retardation, metaphyseal dysplasia, adrenal hypoplasia congenita, genital anomalies, and immunodeficiency. Also called: IMAGEI SYNDROME. Identifiers: MedGen C5193036, MONDO:0032684, OMIM 618336.
Facial dysmorphism-immunodeficiency-livedo-short stature syndrome. Also called: FILS syndrome; Facial dysmorphism, immunodeficiency, livedo, and short stature. Identifiers: Orphanet 352712, MedGen C3554576, MONDO:0014058, OMIM 615139.
Hereditary cancer-predisposing syndrome. Also called: Tumor predisposition; Hereditary neoplastic syndrome; Hereditary Cancer Syndrome; Neoplastic Syndromes, Hereditary. Identifiers: Orphanet 140162, MedGen C0027672, MeSH D009386, MONDO:0015356.

Allele frequency attached by ClinVar (database versions not stated): TOPMed 0.00001; gnomAD 0.00003.
gnomAD v4.1: 7 of 1,614,220 alleles (0.00043%); highest among the groups gnomAD compares: Non-Finnish European, 0.00059%; no homozygotes.

Submissions (5):

Labcorp Genetics (formerly Invitae), Labcorp
Classification: Uncertain significance. Last evaluated: 2025-12-22. Review status: criteria provided, single submitter. Criteria: Invitae Variant Classification Sherloc (09022015). Collection method: clinical testing. Allele origin: germline.
Comment: This sequence change replaces lysine, which is basic and polar, with arginine, which is basic and polar, at codon 237 of the POLE protein (p.Lys237Arg). This variant is present in population databases (no rsID available, gnomAD 0.007%). This variant has not been reported in the literature in individuals affected with POLE-related conditions. ClinVar contains an entry for this variant (Variation ID: 473822). Invitae Evidence Modeling of protein sequence and biophysical properties (such as structural, functional, and spatial information, amino acid conservation, physicochemical variation, residue mobility, and thermodynamic stability) indicates that this missense variant is not expected to disrupt POLE protein function with a negative predictive value of 80%. In summary, the available evidence is currently insufficient to determine the role of this variant in disease. Therefore, it has been classified as a Variant of Uncertain Significance.

Ambry Genetics
Classification: Uncertain significance for Hereditary cancer-predisposing syndrome. Last evaluated: 2025-01-04. Review status: criteria provided, single submitter. Criteria: Ambry Variant Classification Scheme 2023. Collection method: clinical testing. Allele origin: germline.
Comment: The p.K237R variant (also known as c.710A>G), located in coding exon 7 of the POLE gene, results from an A to G substitution at nucleotide position 710. The lysine at codon 237 is replaced by arginine, an amino acid with highly similar properties. This amino acid position is conserved. In addition, this alteration is predicted to be tolerated by in silico analysis. Based on the available evidence, the clinical significance of this variant remains unclear.

GeneDx
Classification: Uncertain significance. Last evaluated: 2024-03-05. Review status: criteria provided, single submitter. Criteria: GeneDx Variant Classification Process June 2021. Collection method: clinical testing. Allele origin: germline. Affected: yes.
Comment: Not observed at significant frequency in large population cohorts (gnomAD); In silico analysis supports that this missense variant does not alter protein structure/function; Has not been previously published as pathogenic or benign to our knowledge

Department of Pathology and Laboratory Medicine, Sinai Health System
Classification: Uncertain significance for Colorectal cancer, susceptibility to, 12; Facial dysmorphism-immunodeficiency-livedo-short stature syndrome; Intrauterine growth retardation, metaphyseal dysplasia, adrenal hypoplasia congenita, genital anomalies, and immunodeficiency. Last evaluated: 2023-09-29. Review status: criteria provided, single submitter. Criteria: ACMG Guidelines, 2015. Collection method: clinical testing. Allele origin: germline. Affected: yes.

Blueprint Genetics
Classification: Uncertain significance. Last evaluated: 2023-09-26. Review status: criteria provided, single submitter. Criteria: ACMG Guidelines, 2015. Collection method: clinical testing. Allele origin: germline.

NM_006231.4(POLE):c.710A>G (p.Lys237Arg)

Gene: POLE (DNA polymerase epsilon, catalytic subunit; minus strand). Cytogenetic location: 12q24.33.
Variant type: single nucleotide variant.
Coding change: c.710A>G on transcript NM_006231.4 (MANE Select); coding-DNA position 710, A replaced by G.
Protein change: p.Lys237Arg; replaces lysine 237 with arginine.
Molecular consequence: missense variant.
Genome position (GRCh38, 1-based): chr12:132,677,588, T>C on the plus strand (A>G on the coding strand, the complement: POLE is on the minus strand). VCF-style: chr12-132677588-T-C. GRCh37 (hg19) VCF-style: chr12-133254174-T-C.
Other names: c.710A>G (NM_006231.2); short protein forms K237R.
Identifiers: ClinVar variation 473822 (VCV000473822.14), dbSNP rs879762286, ClinGen allele CA387364622.